The following is an entry in ClinVar:

ClinVar aggregate classification (germline): Uncertain significance. Review status: criteria provided, multiple submitters, no conflicts (2 of 4 stars). 2 submissions from 2 submitters: Uncertain significance (2). Last evaluated 2026-02-05.

Conditions:
CCDC50-related disorder. Also called: CCDC50-related condition.

gnomAD v4.1: 18 of 1,613,406 alleles (0.0011%); highest among the groups gnomAD compares: Non-Finnish European, 0.0014%; no homozygotes.

Submissions (2):

PreventionGenetics, part of Exact Sciences
Classification: Uncertain significance for CCDC50-related condition. Last evaluated: 2026-02-05. Review status: criteria provided, single submitter. Criteria: ACMG Guidelines, 2015. Collection method: clinical testing. Allele origin: germline.
Comment: The CCDC50 c.103G>A variant is predicted to result in the amino acid substitution p.Glu35Lys. To our knowledge, this variant has not been reported in the literature. This variant is reported in 0.0016% of alleles in individuals of European (Non-Finnish) descent in gnomAD. At this time, the clinical significance of this variant is uncertain due to the absence of conclusive functional and genetic evidence.

Ambry Genetics
Classification: Uncertain significance. Last evaluated: 2025-11-26. Review status: criteria provided, single submitter. Criteria: Ambry Variant Classification Scheme 2023. Collection method: clinical testing. Allele origin: germline.

NM_178335.3(CCDC50):c.103G>A (p.Glu35Lys)

Gene: CCDC50 (coiled-coil domain containing 50; plus strand). Cytogenetic location: 3q28.
Variant type: single nucleotide variant.
Coding change: c.103G>A on transcript NM_178335.3 (MANE Select); coding-DNA position 103, G replaced by A.
Protein change: p.Glu35Lys; replaces glutamic acid 35 with lysine.
Molecular consequence: missense variant.
Genome position (GRCh38, 1-based): chr3:191,357,141, G>A. VCF-style: chr3-191357141-G-A. GRCh37 (hg19) VCF-style: chr3-191074930-G-A.
Other names: c.103G>A, p.Glu35Lys (NM_174908.4); short protein forms E35K.
Identifiers: ClinVar variation 4649530 (VCV004649530.2).
Genomic context (GRCh38, chr3:191,357,141, plus strand): 5'-ACTCTAGTATGCCGAGATTTTGCTGTCCTGGAGGACCACACCCTGGCTCACAGCCTGCAG[G>A]AACAAGAGAGTGAGTAATACCTCTCATTTATGCTCCTTCAGTTTTCTTTTTTTAGTGGTA-3'
Protein context (NP_848018.1, residues 25-45): EDHTLAHSLQ[Glu35Lys]QEIEHHLASN